The following is an entry in ClinVar:

NM_000478.6(ALPL):c.379A>G (p.Thr127Ala)

Gene: ALPL (alkaline phosphatase, biomineralization associated; plus strand). Cytogenetic location: 1p36.12.
Variant type: single nucleotide variant.
Coding change: c.379A>G on transcript NM_000478.6 (MANE Select); coding-DNA position 379, A replaced by G.
Protein change: p.Thr127Ala; replaces threonine 127 with alanine.
Molecular consequence: missense variant.
Genome position (GRCh38, 1-based): chr1:21,563,191, A>G. VCF-style: chr1-21563191-A-G. GRCh37 (hg19) VCF-style: chr1-21889684-A-G.
Other names: c.214A>G, p.Thr72Ala (NM_001127501.4); c.148A>G, p.Thr50Ala (NM_001177520.3); c.379A>G, p.Thr127Ala (NM_001369803.2, NM_001369804.2, NM_001369805.2); short protein forms T50A, T72A, T127A.
Identifiers: ClinVar variation 3000558 (VCV003000558.7), dbSNP rs1570273880, ClinGen allele CA338877219.
Genomic context (GRCh38, chr1:21,563,191, plus strand): 5'-GTCCCTGACAGTGCCGGCACCGCCACCGCCTACCTGTGTGGGGTGAAGGCCAATGAGGGC[A>G]CCGTGGGGGTAAGCGCAGCCACTGAGCGTTCCCGGTGCAACACCACCCAGGGGAACGAGG-3'
Protein context (NP_000469.3, residues 117-137): YLCGVKANEG[Thr127Ala]VGVSAATERS

ClinVar aggregate classification (germline): Conflicting classifications of pathogenicity. Review status: criteria provided, conflicting classifications (1 of 4 stars). 3 submissions from 3 submitters: Likely pathogenic (2); Uncertain significance (1). Last evaluated 2025-08-29.

Conditions:
Hypophosphatasia. Also called: Phosphoethanol-aminuria. Identifiers: Orphanet 436, MedGen C0020630, MeSH D007014, MONDO:0018570.

Allele frequency attached by ClinVar (database versions not stated): gnomAD exomes below 0.00001.
gnomAD v4.1: 1 of 1,613,940 alleles (0.000062%); highest among the groups gnomAD compares: Non-Finnish European, 0.000085%; no homozygotes.

Submissions (3):

Genomenon, Inc
Classification: Uncertain significance for Hypophosphatasia. Last evaluated: 2025-08-29. Review status: criteria provided, single submitter. Criteria: Genomenon Sequence Variant Interpretation Standards. Collection method: curation. Allele origin: germline. Affected: yes.
Comment: ALPL c.379A>G is a missense variant that changes the amino acid at residue 127 from Threonine to Alanine. This variant has been observed in at least one proband affected with hypophosphatasia (PMID:29774402). It is absent or not present at a significant frequency in gnomAD. In silico models agree that this variant is possibly or probably damaging. In conclusion, we classify ALPL p.Thr127Ala (c.379A>G) as a variant of unknown significance.

Labcorp Genetics (formerly Invitae), Labcorp
Classification: Likely pathogenic. Last evaluated: 2025-08-25. Review status: criteria provided, single submitter. Criteria: Invitae Variant Classification Sherloc (09022015). Collection method: clinical testing. Allele origin: germline.
Comment: This sequence change replaces threonine, which is neutral and polar, with alanine, which is neutral and non-polar, at codon 127 of the ALPL protein (p.Thr127Ala). This variant is not present in population databases (gnomAD no frequency). This missense change has been observed in individual(s) with hypophosphatasia (PMID: 29774402). ClinVar contains an entry for this variant (Variation ID: 3000558). Invitae Evidence Modeling of protein sequence and biophysical properties (such as structural, functional, and spatial information, amino acid conservation, physicochemical variation, residue mobility, and thermodynamic stability) indicates that this missense variant is expected to disrupt ALPL protein function with a positive predictive value of 95%. In summary, the currently available evidence indicates that the variant is pathogenic, but additional data are needed to prove that conclusively. Therefore, this variant has been classified as Likely Pathogenic.

JKU Lab, Dept of Paediatrics, Johannes Kepler University
Classification: Likely pathogenic for Hypophosphatasia. Last evaluated: 2024-10-08. Review status: criteria provided, single submitter. Criteria: ACMG Guidelines, 2015. Collection method: curation, in vitro. Allele origin: germline, not applicable. Affected: yes. Functional consequence: decreased enzyme activity.
Comment: This missense variant is not present in GnomAD 4.1 and does not affect a highly conserved amino acid in a functional domain. The variant is predicted to affect protein function (REVEL score: 0.807). Splice-prediction algorithms predict no effect on splicing. In vitro functional studies showed reduced ALP activity without a dominant negative effect. This variant has been reported in the literature in individuals affected with ALPL-related conditions (PMID:28436937;PMID29774402). The results of the functional testing and the applied ACMG criteria can be viewed at an online resource

Literature cited by the submitters: PubMed 29774402 (cited by 3 submitters); PubMed 28436937 (cited by JKU Lab, Dept of Paediatrics, Johannes Kepler University).